The following is an entry in ClinVar:

NM_017849.4(TMEM127):c.4_24del (p.Tyr2_Gly8del)

Genes: TMEM127 (transmembrane protein 127; minus strand), LOC129934333 (ATAC-STARR-seq lymphoblastoid silent region 11759; plus strand). Cytogenetic location: 2q11.2.
Variant type: Deletion.
Coding change: c.4_24del on transcript NM_017849.4 (MANE Select); coding-DNA positions 4 to 24, 21 bases deleted (TACGCCCCCGGAGGCGCAGGG).
Protein change: p.Tyr2_Gly8del.
Molecular consequence: initiator codon variant. On other transcripts: intron variant (1), inframe indel (1).
Genome position (GRCh38, 1-based): chr2:96,265,358-96,265,378, CCCTGCGCCTCCGGGGGCGTA deleted on the plus strand (TACGCCCCCGGAGGCGCAGGG on the coding strand, the reverse complement: TMEM127 is on the minus strand); deleting any 21 consecutive bases within chr2:96,265,358-96,265,379 gives the same sequence; the c. name uses the placement nearest the transcript's 3' end. VCF-style (leftmost placement, unchanged base first): chr2-96265357-GCCCTGCGCCTCCGGGGGCGTA-G. GRCh37 (hg19) VCF-style: chr2-96931095-GCCCTGCGCCTCCGGGGGCGTA-G.
Other names: c.4_24del, p.Tyr2_Gly8del (NM_001193304.3); c.-9+491_-9+511del (NM_001407283.1); c.4_24del21 (NM_017849.3).
Identifiers: ClinVar variation 3457596 (VCV003457596.1).
Genomic context (GRCh38, chr2:96,265,357, plus strand): 5'-GCTCCGGCTGCTTGGGCAGAGCGCTGCCTCCCGGGCTCCTCCGCCGGCGCCCGCCGGGCA[GCCCTGCGCCTCCGGGGGCGTA>G]CATGCCCGGGGCCGCCCGCCGTCGCTCCGCAGTCGCTGCTGGTCGCCGCCGACCTCCGCG-3'

ClinVar aggregate classification (germline): Uncertain significance (1 of 4 stars; one submission).

Conditions:
Hereditary cancer-predisposing syndrome. Also called: Tumor predisposition; Neoplastic Syndromes, Hereditary; Hereditary neoplastic syndrome; Hereditary Cancer Syndrome. Identifiers: Orphanet 140162, MedGen C0027672, MeSH D009386, MONDO:0015356.

Submission:

Ambry Genetics
Classification: Uncertain significance for Hereditary cancer-predisposing syndrome. Last evaluated: 2024-07-25. Review status: criteria provided, single submitter. Criteria: Ambry Variant Classification Scheme 2023. Collection method: clinical testing. Allele origin: germline.
Comment: The c.4_24del21 variant (also known as p.Y2_G8del) is located in coding exon 1 of the TMEM127 gene. This variant results from an in-frame TACGCCCCCGGAGGCGCAGGG deletion at nucleotide positions 4 to 24. This results in the in-frame deletion of 7 amino acid residues at codons 2 to 8. This amino acid region is not well conserved in available vertebrate species. In addition, this alteration is predicted to be deleterious by in silico analysis (Choi Y et al. PLoS ONE. 2012; 7(10):e46688). Based on the available evidence, the clinical significance of this variant remains unclear.